The following is an entry in ClinVar:

NM_004364.5(CEBPA):c.167G>T (p.Cys56Phe)

Gene: CEBPA (CCAAT enhancer binding protein alpha; minus strand). Cytogenetic location: 19q13.11.
Variant type: single nucleotide variant.
Coding change: c.167G>T on transcript NM_004364.5 (MANE Select); coding-DNA position 167, G replaced by T.
Protein change: p.Cys56Phe; replaces cysteine 56 with phenylalanine.
Molecular consequence: missense variant. On other transcripts: 5 prime UTR variant (1).
Genome position (GRCh38, 1-based): chr19:33,302,248, C>A on the plus strand (G>T on the coding strand, the complement: CEBPA is on the minus strand). VCF-style: chr19-33302248-C-A. GRCh37 (hg19) VCF-style: chr19-33793154-C-A.
Other names: c.-191G>T (NM_001285829.2); c.272G>T, p.Cys91Phe (NM_001287424.2); c.125G>T, p.Cys42Phe (NM_001287435.2); short protein forms C56F, C42F, C91F.
Identifiers: ClinVar variation 5034284 (VCV005034284.1).

ClinVar aggregate classification (germline): Uncertain significance (1 of 4 stars; one submission).

Conditions:
Inborn genetic diseases. Identifiers: MedGen C0950123, MeSH D030342.

gnomAD v4.1: 1 of 1,489,920 alleles (0.000067%); highest among the groups gnomAD compares: Non-Finnish European, 0.00009%; no homozygotes.

Submission:

Ambry Genetics
Classification: Uncertain significance for Inborn genetic diseases. Last evaluated: 2026-07-06. Review status: criteria provided, single submitter. Criteria: Ambry Variant Classification Scheme 2023. Collection method: clinical testing. Allele origin: germline.
Comment: The p.C56F variant (also known as c.167G>T), located in coding exon 1 of the CEBPA gene, results from a G to T substitution at nucleotide position 167. The cysteine at codon 56 is replaced by phenylalanine, an amino acid with highly dissimilar properties. This amino acid position is conserved. In addition, the in silico prediction for this alteration is inconclusive. Based on the available evidence, the clinical significance of this variant remains unclear.